The following is an entry in ClinVar:

NM_007294.4(BRCA1):c.1705A>G (p.Asn569Asp)

Gene: BRCA1 (BRCA1 DNA repair associated; minus strand). Cytogenetic location: 17q21.31.
Variant type: single nucleotide variant.
Coding change: c.1705A>G on transcript NM_007294.4 (MANE Select); coding-DNA position 1705, A replaced by G.
Protein change: p.Asn569Asp; replaces asparagine 569 with aspartic acid.
Molecular consequence: missense variant. On other transcripts: intron variant (137).
Genome position (GRCh38, 1-based): chr17:43,093,826, T>C on the plus strand (A>G on the coding strand, the complement: BRCA1 is on the minus strand). VCF-style: chr17-43093826-T-C. GRCh37 (hg19) VCF-style: chr17-41245843-T-C.
Other names: c.1438A>G, p.Asn480Asp (NM_001407934.1, NM_001407936.1, NM_001407932.1 and 2 more transcripts); c.787+918A>G (NM_001407981.1, NM_001407978.1, NM_007298.4 and 19 more transcripts); c.709+918A>G (NM_001408414.1, NM_001408411.1, NM_001408415.1 and 2 more transcripts); c.1441A>G, p.Asn481Asp (NM_001407935.1, NM_001407933.1, NM_001407920.1 and 9 more transcripts); c.643+918A>G (NM_001408462.1, NM_001408465.1, NM_001408463.1 and 3 more transcripts); c.1582A>G, p.Asn528Asp (NM_001407937.1, NM_001407648.1, NM_001407664.1 and 19 more transcripts); c.1705A>G, p.Asn569Asp (NM_001407642.1, NM_001407581.1, NM_001407582.1 and 30 more transcripts); c.1702A>G, p.Asn568Asp (NM_001407644.1, NM_001407645.1, NM_001407587.1 and 22 more transcripts); and 40 more; short protein forms N569D, N522D, N458D, N498D, N499D, N501D, N528D, N566D.
Identifiers: ClinVar variation 140844 (VCV000140844.17), dbSNP rs587781315, ClinGen allele CA001119.

ClinVar aggregate classification (germline): Conflicting classifications of pathogenicity. Review status: criteria provided, conflicting classifications (1 of 4 stars). 5 submissions from 5 submitters: Uncertain significance (4); Likely benign (1). Last evaluated 2025-05-31.

Conditions:
Hereditary cancer-predisposing syndrome. Also called: Neoplastic Syndromes, Hereditary; Tumor predisposition; Hereditary Cancer Syndrome; Hereditary neoplastic syndrome. Identifiers: Orphanet 140162, MedGen C0027672, MeSH D009386, MONDO:0015356.
Hereditary breast ovarian cancer syndrome. Also called: Breast and ovarian cancer; Hereditary breast and ovarian cancer; Hereditary breast and/or ovarian cancer syndrome; BRCA1- and BRCA2-Associated Hereditary Breast and Ovarian Cancer; Hereditary breast and ovarian cancer syndrome; Hereditary breast and ovarian cancer syndrome (HBOC). Identifiers: Orphanet 145, MedGen C0677776, MeSH D061325, MONDO:0003582. Disease mechanism: loss of function.

Submissions (5):

Color Diagnostics, LLC DBA Color Health
Classification: Uncertain significance for Hereditary cancer-predisposing syndrome. Last evaluated: 2025-05-31. Review status: criteria provided, single submitter. Criteria: ACMG Guidelines, 2015. Collection method: clinical testing. Allele origin: germline.
Comment: This missense variant replaces asparagine with aspartic acid at codon 569 of the BRCA1 protein. Computational prediction suggests that this variant may not impact protein structure and function. To our knowledge, functional studies have not been reported for this variant. This variant has not been reported in individuals affected with BRCA1-related disorders in the literature. This variant has not been identified in the general population by the Genome Aggregation Database (gnomAD). The available evidence is insufficient to determine the role of this variant in disease conclusively. Therefore, this variant is classified as a Variant of Uncertain Significance.

Ambry Genetics
Classification: Uncertain significance for Hereditary cancer-predisposing syndrome. Last evaluated: 2025-04-14. Review status: criteria provided, single submitter. Criteria: Ambry Variant Classification Scheme 2023. Collection method: clinical testing. Allele origin: germline.
Comment: The p.N569D variant (also known as c.1705A>G), located in coding exon 9 of the BRCA1 gene, results from an A to G substitution at nucleotide position 1705. The asparagine at codon 569 is replaced by aspartic acid, an amino acid with highly similar properties. This amino acid position is not well conserved in available vertebrate species. In addition, the in silico prediction for this alteration is inconclusive. Based on the available evidence, the clinical significance of this variant remains unclear.

Labcorp Genetics (formerly Invitae), Labcorp
Classification: Uncertain significance for Hereditary breast ovarian cancer syndrome. Last evaluated: 2024-08-23. Review status: criteria provided, single submitter. Criteria: Invitae Variant Classification Sherloc (09022015). Collection method: clinical testing. Allele origin: germline.
Comment: This sequence change replaces asparagine, which is neutral and polar, with aspartic acid, which is acidic and polar, at codon 569 of the BRCA1 protein (p.Asn569Asp). This variant is not present in population databases (gnomAD no frequency). This variant has not been reported in the literature in individuals affected with BRCA1-related conditions. ClinVar contains an entry for this variant (Variation ID: 140844). Invitae Evidence Modeling of protein sequence and biophysical properties (such as structural, functional, and spatial information, amino acid conservation, physicochemical variation, residue mobility, and thermodynamic stability) indicates that this missense variant is not expected to disrupt BRCA1 protein function with a negative predictive value of 95%. In summary, the available evidence is currently insufficient to determine the role of this variant in disease. Therefore, it has been classified as a Variant of Uncertain Significance.

University of Washington Department of Laboratory Medicine, University of Washington
Classification: Likely benign for Hereditary cancer-predisposing syndrome. Last evaluated: 2023-03-23. Review status: criteria provided, single submitter. Criteria: Dines et al. (Genet Med. 2020). Collection method: curation. Allele origin: germline.
Comment: Missense variant in a coldspot region where missense variants are very unlikely to be pathogenic (PMID:31911673).

BRCA1 coldspot (exon 11 using historical exon numbering). Reclassification based on statistical prior probability

Quest Diagnostics Nichols Institute San Juan Capistrano
Classification: Uncertain significance. Last evaluated: 2017-03-31. Review status: criteria provided, single submitter. Criteria: Quest Diagnostics criteria. Collection method: clinical testing. Allele origin: germline.